The following is an entry in ClinVar:

ClinVar aggregate classification (germline): Uncertain significance (1 of 4 stars; one submission).

gnomAD v4.1: 28 of 1,614,230 alleles (0.0017%); highest among the groups gnomAD compares: Middle Eastern, 0.016%; no homozygotes.

Submission:

Labcorp Genetics (formerly Invitae), Labcorp
Classification: Uncertain significance. Last evaluated: 2024-09-20. Review status: criteria provided, single submitter. Criteria: Invitae Variant Classification Sherloc (09022015). Collection method: clinical testing. Allele origin: germline.
Comment: This sequence change replaces proline, which is neutral and non-polar, with leucine, which is neutral and non-polar, at codon 296 of the DTNBP1 protein (p.Pro296Leu). This variant is present in population databases (rs781381233, gnomAD 0.003%). This variant has not been reported in the literature in individuals affected with DTNBP1-related conditions. Invitae Evidence Modeling of protein sequence and biophysical properties (such as structural, functional, and spatial information, amino acid conservation, physicochemical variation, residue mobility, and thermodynamic stability) indicates that this missense variant is not expected to disrupt DTNBP1 protein function with a negative predictive value of 80%. In summary, the available evidence is currently insufficient to determine the role of this variant in disease. Therefore, it has been classified as a Variant of Uncertain Significance.

NM_032122.5(DTNBP1):c.887C>T (p.Pro296Leu)

Gene: DTNBP1 (dystrobrevin binding protein 1; minus strand). Cytogenetic location: 6p22.3.
Variant type: single nucleotide variant.
Coding change: c.887C>T on transcript NM_032122.5 (MANE Select); coding-DNA position 887, C replaced by T.
Protein change: p.Pro296Leu; replaces proline 296 with leucine.
Molecular consequence: missense variant.
Genome position (GRCh38, 1-based): chr6:15,523,144, G>A on the plus strand (C>T on the coding strand, the complement: DTNBP1 is on the minus strand). VCF-style: chr6-15523144-G-A. GRCh37 (hg19) VCF-style: chr6-15523375-G-A.
Other names: c.644C>T, p.Pro215Leu (NM_001271667.2); c.836C>T, p.Pro279Leu (NM_001271668.2); c.782C>T, p.Pro261Leu (NM_001271669.2); short protein forms P261L, P296L, P215L, P279L.
Identifiers: ClinVar variation 3695705 (VCV003695705.2).
Genomic context (GRCh38, chr6:15,523,144, plus strand): 5'-GACTCCCCACCCTCACTGATGTCCCGGGTGGCCGAGTCGGTGCAGGTGGAGGAAGAAGAA[G>A]GTGGCTTGGCTCTTAATTCTGAGGGATTTGGAACCTGGAGGGTAATCTCATTCTGACAGG-3'
Protein context (NP_115498.2, residues 286-306): PNPSELRAKP[Pro296Leu]SSSSTCTDSA